The following is an entry in ClinVar:

ClinVar aggregate classification (germline): Conflicting classifications of pathogenicity. Review status: criteria provided, conflicting classifications (1 of 4 stars). 5 submissions from 5 submitters: Uncertain significance (4); Likely benign (1). Last evaluated 2022-08-24.

Conditions:
Polydactyly, postaxial, type A1. Identifiers: MedGen C4282400, MONDO:0008266, OMIM 174200.
Polysyndactyly 4. Also called: Polysyndactyly uncomplicated; Preaxial polydactyly 4. Identifiers: Orphanet 93338, MedGen C1868111, MONDO:0008272, OMIM 174700.
Pallister-Hall syndrome (PHS). Also called: GLI3-Related Pallister-Hall Syndrome; HYPOTHALAMIC HAMARTOBLASTOMA, HYPOPITUITARISM, IMPERFORATE ANUS, AND POSTAXIAL POLYDACTYLY. Identifiers: Orphanet 672, MedGen C0265220, MONDO:0007804, OMIM 146510.
Greig cephalopolysyndactyly syndrome (GCPS). Also called: POLYSYNDACTYLY WITH PECULIAR SKULL SHAPE; Greig syndrome; GLI3-Related Greig Cephalopolysyndactyly Syndrome. Identifiers: Orphanet 380, MedGen C0265306, MONDO:0008287, OMIM 175700.

Allele frequency attached by ClinVar (database versions not stated): gnomAD exomes 0.00001 and 0.00002; gnomAD 0.00002; ExAC 0.00004; TOPMed 0.00005; ESP Exome Variant Server 0.00023.
gnomAD v4.1: 12 of 1,613,834 alleles (0.00074%); highest among the groups gnomAD compares: African/African-American, 0.015%; no homozygotes.

Submissions (5):

Labcorp Genetics (formerly Invitae), Labcorp
Classification: Likely benign for Pallister-Hall syndrome; Greig cephalopolysyndactyly syndrome. Last evaluated: 2022-08-24. Review status: criteria provided, single submitter. Criteria: Invitae Variant Classification Sherloc (09022015). Collection method: clinical testing. Allele origin: germline.

Fulgent Genetics
Classification: Uncertain significance for Pallister-Hall syndrome; Polydactyly, postaxial, type A1; Polysyndactyly 4; Greig cephalopolysyndactyly syndrome. Last evaluated: 2022-04-04. Review status: criteria provided, single submitter. Criteria: ACMG Guidelines, 2015. Collection method: clinical testing. Allele origin: unknown.

Revvity Omics, Revvity
Classification: Uncertain significance. Last evaluated: 2021-11-30. Review status: criteria provided, single submitter. Criteria: ACMG Guidelines, 2015. Collection method: clinical testing. Allele origin: germline.

GeneDx
Classification: Uncertain significance. Last evaluated: 2021-09-21. Review status: criteria provided, single submitter. Criteria: GeneDx Variant Classification Process June 2021. Collection method: clinical testing. Allele origin: germline. Affected: yes.
Comment: In silico analysis supports that this missense variant has a deleterious effect on protein structure/function; Has not been previously published as pathogenic or benign to our knowledge

Eurofins Ntd Llc (ga)
Classification: Uncertain significance. Last evaluated: 2016-10-06. Review status: criteria provided, single submitter. Criteria: EGL Classification Definitions 2015. Collection method: clinical testing. Allele origin: germline. Observed: 1 variant allele, 1 heterozygote.

NM_000168.6(GLI3):c.2540G>A (p.Arg847Lys)

Gene: GLI3 (GLI family zinc finger 3; minus strand). Cytogenetic location: 7p14.1.
Variant type: single nucleotide variant.
Coding change: c.2540G>A on transcript NM_000168.6 (MANE Select); coding-DNA position 2540, G replaced by A.
Protein change: p.Arg847Lys; replaces arginine 847 with lysine.
Molecular consequence: missense variant.
Genome position (GRCh38, 1-based): chr7:41,966,533, C>T on the plus strand (G>A on the coding strand, the complement: GLI3 is on the minus strand). VCF-style: chr7-41966533-C-T. GRCh37 (hg19) VCF-style: chr7-42006131-C-T.
Other names: short protein forms R847K.
Identifiers: ClinVar variation 497483 (VCV000497483.14), dbSNP rs143406263, ClinGen allele CA4230573.